The following is an entry in ClinVar:

NM_053013.4(ENO3):c.518T>G (p.Val173Gly)

Gene: ENO3 (enolase 3; plus strand). Cytogenetic location: 17p13.2.
Variant type: single nucleotide variant.
Coding change: c.518T>G on transcript NM_053013.4 (MANE Select); coding-DNA position 518, T replaced by G.
Protein change: p.Val173Gly; replaces valine 173 with glycine.
Molecular consequence: missense variant.
Genome position (GRCh38, 1-based): chr17:4,955,148, T>G. VCF-style: chr17-4955148-T-G. GRCh37 (hg19) VCF-style: chr17-4858443-T-G.
Other names: c.389T>G, p.Val130Gly (NM_001193503.2); c.518T>G, p.Val173Gly (NM_001976.5); short protein forms V173G, V130G.
Identifiers: ClinVar variation 661375 (VCV000661375.8), dbSNP rs1597702371, ClinGen allele CA397289905.

ClinVar aggregate classification (germline): Uncertain significance (1 of 4 stars; one submission).

Conditions:
Glycogen storage disease due to muscle beta-enolase deficiency (GSD13). Also called: ENOLASE 3 DEFICIENCY; ENOLASE-BETA DEFICIENCY; GSD XIII; Glycogen Storage Disease Type XIII. Identifiers: Orphanet 99849, MedGen C2752027, MONDO:0013046, OMIM 612932.

gnomAD v4.1: 1 of 1,614,224 alleles (0.000062%); highest among the groups gnomAD compares: Admixed American, 0.0017%; no homozygotes.

Submission:

Labcorp Genetics (formerly Invitae), Labcorp
Classification: Uncertain significance for Glycogen storage disease due to muscle beta-enolase deficiency. Last evaluated: 2018-12-20. Review status: criteria provided, single submitter. Criteria: Invitae Variant Classification Sherloc (09022015). Collection method: clinical testing. Allele origin: germline.
Comment: This sequence change replaces valine with glycine at codon 173 of the ENO3 protein (p.Val173Gly). The valine residue is highly conserved and there is a moderate physicochemical difference between valine and glycine. This variant is not present in population databases (ExAC no frequency). This variant has not been reported in the literature in individuals with ENO3-related conditions. Algorithms developed to predict the effect of missense changes on protein structure and function are either unavailable or do not agree on the potential impact of this missense change (SIFT: "Deleterious"; PolyPhen-2: "Probably Damaging"; Align-GVGD: "Class C0"). In summary, the available evidence is currently insufficient to determine the role of this variant in disease. Therefore, it has been classified as a Variant of Uncertain Significance.